The following is an entry in ClinVar:

NM_001042492.3(NF1):c.4528C>T (p.Leu1510=)

Gene: NF1 (neurofibromin 1; plus strand). Cytogenetic location: 17q11.2.
Variant type: single nucleotide variant.
Coding change: c.4528C>T on transcript NM_001042492.3 (MANE Select); coding-DNA position 4528, C replaced by T.
Protein change: p.Leu1510=; no amino-acid change (leucine 1510 retained).
Molecular consequence: synonymous variant.
Genome position (GRCh38, 1-based): chr17:31,260,466, C>T. VCF-style: chr17-31260466-C-T. GRCh37 (hg19) VCF-style: chr17-29587484-C-T.
Other names: c.4465C>T, p.Leu1489= (NM_000267.4).
Identifiers: ClinVar variation 5042333 (VCV005042333.1).

ClinVar aggregate classification (germline): Benign (1 of 4 stars; one submission).

Conditions:
Neurofibromatosis, type 1 (NF1). Also called: VON RECKLINGHAUSEN DISEASE; NEUROFIBROMATOSIS, TYPE I, SOMATIC; Peripheral type neurofibromatosis; Neurofibromatosis, type I. Identifiers: Orphanet 636, MedGen C0027831, MONDO:0018975, OMIM 162200. Disease mechanism: loss of function.

Submission:

Myriad Genetics, Inc.
Classification: Benign for Neurofibromatosis, type 1. Last evaluated: 2026-09-28. Review status: criteria provided, single submitter. Criteria: Myriad Autosomal Dominant, Autosomal Recessive and X-Linked Classification Criteria (2023). Collection method: clinical testing. Allele origin: unknown.
Comment: This variant is considered benign. This variant is a silent/synonymous amino acid change and it is not expected to impact splicing.